The following is an entry in ClinVar:

ClinVar aggregate classification (germline): Uncertain significance. Review status: criteria provided, multiple submitters, no conflicts (2 of 4 stars). 2 submissions from 2 submitters: Uncertain significance (2). Last evaluated 2025-07-09.

Conditions:
Inborn genetic diseases. Identifiers: MedGen C0950123, MeSH D030342.

Allele frequency attached by ClinVar (database versions not stated): gnomAD exomes below 0.00001; gnomAD 0.00001; TOPMed 0.00002.
gnomAD v4.1: 9 of 1,614,110 alleles (0.00056%); highest among the groups gnomAD compares: African/African-American, 0.0027%; no homozygotes.

Submissions (2):

GeneDx
Classification: Uncertain significance. Last evaluated: 2025-07-09. Review status: criteria provided, single submitter. Criteria: GeneDx Variant Classification Process June 2021. Collection method: clinical testing. Allele origin: germline.
Comment: In silico analysis supports that this missense variant has a deleterious effect on protein structure/function; Has not been previously published as pathogenic or benign to our knowledge; Not observed at significant frequency in large population cohorts (gnomAD)

Ambry Genetics
Classification: Uncertain significance for Inborn genetic diseases. Last evaluated: 2022-08-29. Review status: criteria provided, single submitter. Criteria: Ambry Variant Classification Scheme 2023. Collection method: clinical testing. Allele origin: germline.

NM_004341.5(CAD):c.2537A>G (p.His846Arg)

Genes: CAD (carbamoyl-phosphate synthetase 2, aspartate transcarbamylase, and dihydroorotase; plus strand), LOC126806171 (BRD4-independent group 4 enhancer GRCh37_chr2:27454350-27455549; plus strand). Cytogenetic location: 2p23.3.
Variant type: single nucleotide variant.
Coding change: c.2537A>G on transcript NM_004341.5 (MANE Select); coding-DNA position 2537, A replaced by G.
Protein change: p.His846Arg; replaces histidine 846 with arginine.
Molecular consequence: missense variant.
Genome position (GRCh38, 1-based): chr2:27,232,116, A>G. VCF-style: chr2-27232116-A-G. GRCh37 (hg19) VCF-style: chr2-27454984-A-G.
Other names: c.2348A>G, p.His783Arg (NM_001306079.2); short protein forms H846R, H783R.
Identifiers: ClinVar variation 2309243 (VCV002309243.4), dbSNP rs1036876891, ClinGen allele CA44507193.
Genomic context (GRCh38, chr2:27,232,116, plus strand): 5'-TGTATGAGCTCACACGCATCGACCGCTGGTTCCTGCACCGAATGAAGCGTATCATCGCAC[A>G]TGCCCAGCTGCTAGAACAACACCGTGGACAGCCTTTGCCGCCAGACCTGCTGCAACAGGC-3'
Protein context (NP_004332.2, residues 836-856): FLHRMKRIIA[His846Arg]AQLLEQHRGQ